The following is an entry in ClinVar:

NM_017617.5(NOTCH1):c.1193G>A (p.Cys398Tyr)

Gene: NOTCH1 (notch receptor 1; minus strand). Cytogenetic location: 9q34.3.
Variant type: single nucleotide variant.
Coding change: c.1193G>A on transcript NM_017617.5 (MANE Select); coding-DNA position 1193, G replaced by A.
Protein change: p.Cys398Tyr; replaces cysteine 398 with tyrosine.
Molecular consequence: missense variant.
Genome position (GRCh38, 1-based): chr9:136,518,199, C>T on the plus strand (G>A on the coding strand, the complement: NOTCH1 is on the minus strand). VCF-style: chr9-136518199-C-T. GRCh37 (hg19) VCF-style: chr9-139412651-C-T.
Other names: short protein forms C398Y.
Identifiers: ClinVar variation 3778783 (VCV003778783.1).

ClinVar aggregate classification (germline): Uncertain significance (1 of 4 stars; one submission).

Conditions:
NOTCH1-related disorder. Also called: NOTCH1-related condition; NOTCH1-related disorders.

Submission:

Daryl Scott Lab, Baylor College of Medicine
Classification: Uncertain significance for NOTCH1-related disorder. Last evaluated: 2024-04-01. Review status: criteria provided, single submitter. Criteria: ACMG Guidelines, 2015. Collection method: clinical testing. Allele origin: unknown. Observed: 1 heterozygote.
Comment: PM2, PP3